The following is an entry in ClinVar:

ClinVar aggregate classification (germline): Uncertain significance. Review status: criteria provided, multiple submitters, no conflicts (2 of 4 stars). 3 submissions from 3 submitters: Uncertain significance (3). Last evaluated 2026-05-07.

Conditions:
Monogenic hearing loss.
Autosomal recessive nonsyndromic hearing loss 3. Also called: NEUROSENSORY NONSYNDROMIC RECESSIVE DEAFNESS 3. Identifiers: Orphanet 90636, MedGen C1838263, MONDO:0010860, OMIM 600316.

Allele frequency attached by ClinVar (database versions not stated): gnomAD exomes below 0.00001.
gnomAD v4.1: 1 of 1,613,980 alleles (0.000062%); highest among the groups gnomAD compares: Middle Eastern, 0.016%; no homozygotes.

Submissions (3):

Genetics Laboratory, Great Ormond Street Hospital NHS Foundation Trust, North Thames Genomic Laboratory Hub
Classification: Uncertain significance for Monogenic hearing loss. Last evaluated: 2026-05-07. Review status: criteria provided, single submitter. Criteria: ACGS Best Practice Guidelines for Variant Classification in Rare Disease 2024 v1.2. Collection method: clinical testing. Allele origin: germline. Affected: yes.
Comment: PM2_moderate, PP3_supporting, PM3_supporting

Baylor Genetics
Classification: Uncertain significance for Autosomal recessive nonsyndromic hearing loss 3. Last evaluated: 2020-02-13. Review status: criteria provided, single submitter. Criteria: ACMG Guidelines, 2015. Collection method: clinical testing. Allele origin: unknown. Affected: yes.
Comment: This variant was determined to be of uncertain significance according to ACMG Guidelines, 2015 [PMID:25741868].

CeGaT Center for Human Genetics Tuebingen
Classification: Uncertain significance. Last evaluated: 2019-04-01. Review status: criteria provided, single submitter. Criteria: CeGaT Center For Human Genetics Tuebingen Variant Classification Criteria Version 2. Collection method: clinical testing. Allele origin: germline. Affected: yes. Observed: 1 variant allele.

NM_016239.4(MYO15A):c.4235T>A (p.Phe1412Tyr)

Gene: MYO15A (myosin XVA; plus strand). Cytogenetic location: 17p11.2.
Variant type: single nucleotide variant.
Coding change: c.4235T>A on transcript NM_016239.4 (MANE Select); coding-DNA position 4235, T replaced by A.
Protein change: p.Phe1412Tyr; replaces phenylalanine 1412 with tyrosine.
Molecular consequence: missense variant.
Genome position (GRCh38, 1-based): chr17:18,132,481, T>A. VCF-style: chr17-18132481-T-A. GRCh37 (hg19) VCF-style: chr17-18035795-T-A.
Other names: short protein forms F1412Y.
Identifiers: ClinVar variation 808242 (VCV000808242.44), dbSNP rs1597779977, ClinGen allele CA398593221.